The following is an entry in ClinVar:

NM_006158.5(NEFL):c.1038T>C (p.Ala346=)

Gene: NEFL (neurofilament light chain; minus strand). Cytogenetic location: 8p21.2.
Variant type: single nucleotide variant.
Coding change: c.1038T>C on transcript NM_006158.5 (MANE Select); coding-DNA position 1038, T replaced by C.
Protein change: p.Ala346=; no amino-acid change (alanine 346 retained).
Molecular consequence: synonymous variant.
Genome position (GRCh38, 1-based): chr8:24,955,478, A>G on the plus strand (T>C on the coding strand, the complement: NEFL is on the minus strand). VCF-style: chr8-24955478-A-G. GRCh37 (hg19) VCF-style: chr8-24812992-A-G.
Identifiers: ClinVar variation 1695224 (VCV001695224.34), dbSNP rs2117254129, ClinGen allele CA460182969.

ClinVar aggregate classification (germline): Likely benign. Review status: criteria provided, multiple submitters, no conflicts (2 of 4 stars). 2 submissions from 2 submitters: Likely benign (2). Last evaluated 2022-12-17.

Conditions:
Charcot-Marie-Tooth disease type 2E (CMT2E). Also called: CHARCOT-MARIE-TOOTH NEUROPATHY, TYPE 2E; CHARCOT-MARIE-TOOTH DISEASE, AXONAL, TYPE 2E. Identifiers: Orphanet 99939, MedGen C1843225, MONDO:0011894, OMIM 607684.

Allele frequency attached by ClinVar (database versions not stated): gnomAD exomes below 0.00001.

Submissions (2):

Labcorp Genetics (formerly Invitae), Labcorp
Classification: Likely benign for Charcot-Marie-Tooth disease type 2E. Last evaluated: 2022-12-17. Review status: criteria provided, single submitter. Criteria: Invitae Variant Classification Sherloc (09022015). Collection method: clinical testing. Allele origin: germline.

CeGaT Center for Human Genetics Tuebingen
Classification: Likely benign. Last evaluated: 2022-05-01. Review status: criteria provided, single submitter. Criteria: CeGaT Center For Human Genetics Tuebingen Variant Classification Criteria Version 2. Collection method: clinical testing. Allele origin: germline. Affected: yes. Observed: 1 variant allele.
Comment: NEFL: PM2:Supporting, BP4, BP7